The following is an entry in ClinVar:

ClinVar aggregate classification (germline): Benign/Likely benign. Review status: criteria provided, multiple submitters, no conflicts (2 of 4 stars). 12 submissions from 12 submitters: Benign (11); Likely benign (1). Last evaluated 2026-02-04.

Conditions:
Ehlers-Danlos syndrome, classic type, 1 (EDSCL1). Also called: Ehlers-Danlos syndrome, type 1; Ehlers-Danlos Syndrome, Classic Type, COL5A1-Related; EDS I; EHLERS-DANLOS SYNDROME, GRAVIS TYPE; EHLERS-DANLOS SYNDROME, SEVERE CLASSIC TYPE. Identifiers: MedGen C0268335, MONDO:0019567, OMIM 130000.
Ehlers-Danlos syndrome, classic type, 2 (EDSCL2). Also called: Ehlers-Danlos syndrome, type 2; Ehlers-Danlos Syndrome, Classic Type, COL5A2-Related; Ehlers-Danlos syndrome type 2 (formerly). Identifiers: Orphanet 287, Orphanet 90318, MedGen C0268336, MONDO:0019568, OMIM 130010.
Familial thoracic aortic aneurysm and aortic dissection (TAAD). Also called: Thoracic aortic aneurysms and dissections. Identifiers: Orphanet 91387, MedGen C4707243, MONDO:0019625.

Allele frequency attached by ClinVar (database versions not stated): gnomAD 0.09281 and 0.09568; ESP Exome Variant Server 0.09319; TOPMed 0.09375; gnomAD exomes 0.10281 and 0.10495; ExAC 0.10606; 1000 Genomes Project 30x 0.10728; 1000 Genomes Project 0.10942.
gnomAD v4.1: 165,115 of 1,613,900 alleles (10%); highest among the groups gnomAD compares: Middle Eastern, 17%; 9,098 homozygotes.

Submissions (12):

Labcorp Genetics (formerly Invitae), Labcorp
Classification: Benign for Ehlers-Danlos syndrome, classic type, 1. Last evaluated: 2026-02-04. Review status: criteria provided, single submitter. Criteria: Invitae Variant Classification Sherloc (09022015). Collection method: clinical testing. Allele origin: germline.

ARUP Laboratories, Molecular Genetics and Genomics, ARUP Laboratories
Classification: Benign for Ehlers-Danlos syndrome, classic type, 2. Last evaluated: 2025-07-23. Review status: criteria provided, single submitter. Criteria: ARUP Molecular Germline Variant Investigation Process 2024. Collection method: clinical testing. Allele origin: germline.

Molecular Diagnostic Laboratory for Inherited Cardiovascular Disease, Montreal Heart Institute
Classification: Benign. Last evaluated: 2025-04-09. Review status: criteria provided, single submitter. Criteria: ACMG Guidelines, 2015. Collection method: clinical testing. Allele origin: germline. Affected: no.

Blueprint Genetics
Classification: Benign. Last evaluated: 2024-11-26. Review status: criteria provided, single submitter. Criteria: ACMG Guidelines, 2015. Collection method: clinical testing. Allele origin: germline.

Illumina Laboratory Services, Illumina
Classification: Benign for Ehlers-Danlos syndrome, classic type, 2. Last evaluated: 2018-01-13. Review status: criteria provided, single submitter. Criteria: ICSL Variant Classification Criteria 13 December 2019. Collection method: clinical testing. Allele origin: germline.
Comment: This variant was observed in the ICSL laboratory as part of a predisposition screen in an ostensibly healthy population. It had not been previously curated by ICSL or reported in the Human Gene Mutation Database (HGMD: prior to June 1st, 2018), and was therefore a candidate for classification through an automated scoring system. Utilizing variant allele frequency, disease prevalence and penetrance estimates, and inheritance mode, an automated score was calculated to assess if this variant is too frequent to cause the disease. Based on the score and internal cut-off values, a variant classified as benign is not then subjected to further curation. The score for this variant resulted in a classification of benign for this disease.

Mayo Clinic Laboratories, Mayo Clinic
Classification: Benign. Last evaluated: 2017-11-14. Review status: criteria provided, single submitter. Criteria: ACMG Guidelines, 2015. Collection method: clinical testing. Allele origin: germline. Observed: 1,028 variant alleles.

Eurofins Ntd Llc (ga)
Classification: Benign. Last evaluated: 2017-03-31. Review status: criteria provided, single submitter. Criteria: EGL Classification Definitions 2015. Collection method: clinical testing. Allele origin: germline. Observed: 1 variant allele, 1 heterozygote.

Women's Health and Genetics/Laboratory Corporation of America, LabCorp
Classification: Benign. Last evaluated: 2017-03-15. Review status: criteria provided, single submitter. Criteria: LabCorp Variant Classification Summary - May 2015. Collection method: clinical testing. Allele origin: germline.
Comment: Variant summary: The c.3720T>C (p.Tyr1240=) in COL5A2 gene is a synonymous change that involves a non-conserved nucleotide. 5/5 programs in Alamut predict that this variant does not affect the normal splicing pattern, however no functional studies supporting these predictions were published at the time of evaluation. The variant is present in the control population dataset of ExAC at frequency of 0.1061 (12774/120436 chrs tested), including numerous homozygous occurrences. This frequency exceeds the estimated maximum allele frequency for a pathogenic allele in this gene (0.000006). The variant of interest has been cited as Benign by multiple reputable databases/clinical laboratories. Taking together, based on the prevalence of this variant in general population the variant was classified as Benign.

Ambry Genetics
Classification: Benign for Familial thoracic aortic aneurysm and aortic dissection. Last evaluated: 2015-02-18. Review status: criteria provided, single submitter. Criteria: Ambry Variant Classification Scheme 2023. Collection method: clinical testing. Allele origin: germline.

GeneDx
Classification: Benign. Last evaluated: 2012-11-05. Review status: criteria provided, single submitter. Criteria: GeneDx Variant Classification (06012015). Collection method: clinical testing. Allele origin: germline. Affected: yes.
Comment: This variant is considered likely benign or benign based on one or more of the following criteria: it is a conservative change, it occurs at a poorly conserved position in the protein, it is predicted to be benign by multiple in silico algorithms, and/or has population frequency not consistent with disease.

Breakthrough Genomics
Classification: Likely benign. Review status: criteria provided, single submitter. Criteria: ACMG Guidelines, 2015. Collection method: not provided. Allele origin: germline. Inheritance: Autosomal dominant inheritance. Affected: yes.

PreventionGenetics, part of Exact Sciences
Classification: Benign. Review status: criteria provided, single submitter. Criteria: ACMG Guidelines, 2015. Collection method: clinical testing. Allele origin: germline.

NM_000393.5(COL5A2):c.3720T>C (p.Tyr1240=)

Gene: COL5A2 (collagen type V alpha 2 chain; minus strand). Cytogenetic location: 2q32.2.
Variant type: single nucleotide variant.
Coding change: c.3720T>C on transcript NM_000393.5 (MANE Select); coding-DNA position 3720, T replaced by C.
Protein change: p.Tyr1240=; no amino-acid change (tyrosine 1240 retained).
Molecular consequence: synonymous variant.
Genome position (GRCh38, 1-based): chr2:189,039,477, A>G on the plus strand (T>C on the coding strand, the complement: COL5A2 is on the minus strand). VCF-style: chr2-189039477-A-G. GRCh37 (hg19) VCF-style: chr2-189904203-A-G.
Other names: p.Y1240Y:TAT>TAC; p.Tyr1240=; c.3720T>C (NM_000393.4).
Identifiers: ClinVar variation 136954 (VCV000136954.41), dbSNP rs10208525, ClinGen allele CA290395.